The following is an entry in ClinVar:

ClinVar aggregate classification (germline): Pathogenic (1 of 4 stars; one submission).

Conditions:
Atrioventricular septal defect 4 (AVSD4). Identifiers: MedGen C3280781, MONDO:0013747, OMIM 614430.

Submission:

Labcorp Genetics (formerly Invitae), Labcorp
Classification: Pathogenic for Atrioventricular septal defect 4. Last evaluated: 2023-09-25. Review status: criteria provided, single submitter. Criteria: Invitae Variant Classification Sherloc (09022015). Collection method: clinical testing. Allele origin: germline.
Comment: This missense change has been observed in individual(s) with atrial septal defect (Invitae). In at least one individual the variant was observed to be de novo. This variant is not present in population databases (gnomAD no frequency). This sequence change replaces proline, which is neutral and non-polar, with arginine, which is basic and polar, at codon 307 of the GATA4 protein (p.Pro307Arg). Advanced modeling of protein sequence and biophysical properties (such as structural, functional, and spatial information, amino acid conservation, physicochemical variation, residue mobility, and thermodynamic stability) performed at Invitae indicates that this missense variant is expected to disrupt GATA4 protein function. For these reasons, this variant has been classified as Pathogenic.

NM_001308093.3(GATA4):c.923C>G (p.Pro308Arg)

Gene: GATA4 (GATA binding protein 4). Cytogenetic location: 8p23.1.
Variant type: single nucleotide variant.
Coding change: c.923C>G on transcript NM_001308093.3 (MANE Select); coding-DNA position 923, C replaced by G.
Protein change: p.Pro308Arg; replaces proline 308 with arginine.
Molecular consequence: missense variant.
Genome position (GRCh38, 1-based): chr8:11,755,056, C>G. VCF-style: chr8-11755056-C-G. GRCh37 (hg19) VCF-style: chr8-11612565-C-G.
Other names: c.176C>G, p.Pro59Arg (NM_001374274.1); c.920C>G, p.Pro307Arg (NM_002052.5); c.302C>G, p.Pro101Arg (NM_001308094.2, NM_001374273.1); short protein forms P101R, P59R, P308R, P307R.
Identifiers: ClinVar variation 2752218 (VCV002752218.3), dbSNP rs2486996437, ClinGen allele CA370314352.
Genomic context (GRCh38, chr8:11,755,056, plus strand): 5'-CAGACTACGCAGAAATGGAAAACCCTATATATTTACTTGTGACCCTCCAGGTCCCCAGGC[C>G]TCTTGCAATGCGGAAAGAGGGGATCCAAACCAGAAAACGGAAGCCCAAGAACCTGAATAA-3'
Protein context (NP_001295022.1, residues 298-318): LYMKLHGVPR[Pro308Arg]LAMRKEGIQT